The following is an entry in ClinVar:

NM_016156.6(MTMR2):c.1757G>A (p.Arg586Gln)

Gene: MTMR2 (myotubularin related protein 2; minus strand). Cytogenetic location: 11q21.
Variant type: single nucleotide variant.
Coding change: c.1757G>A on transcript NM_016156.6 (MANE Select); coding-DNA position 1757, G replaced by A.
Protein change: p.Arg586Gln; replaces arginine 586 with glutamine.
Molecular consequence: missense variant.
Genome position (GRCh38, 1-based): chr11:95,836,161, C>T on the plus strand (G>A on the coding strand, the complement: MTMR2 is on the minus strand). VCF-style: chr11-95836161-C-T. GRCh37 (hg19) VCF-style: chr11-95569325-C-T.
Other names: c.1541G>A, p.Arg514Gln (NM_001243571.2, NM_201278.3, NM_201281.3); short protein forms R586Q, R514Q.
Identifiers: ClinVar variation 543468 (VCV000543468.16), dbSNP rs61735576, ClinGen allele CA6239887.
Genomic context (GRCh38, chr11:95,836,161, plus strand): 5'-TGCACTGCATGAATGAAAACTCCCATTGTATATTGTAAGGCACATACCTGTGGTTTCATC[C>T]GTGGATTCCACCTTATGTAATATCCCACCCAGAGCTCTAGGTGGCGCATGCTGGCTACTG-3'
Protein context (NP_057240.3, residues 576-596): WVGYYIRWNP[Arg586Gln]MKPQEPIHNR

ClinVar aggregate classification (germline): Likely benign. Review status: criteria provided, multiple submitters, no conflicts (2 of 4 stars). 4 submissions from 4 submitters: Likely benign (4). Last evaluated 2026-06-02.

Conditions:
Charcot-Marie-Tooth disease type 4. Also called: Charcot-Marie-Tooth disease, type IV; Charcot-Marie-Tooth, Type 4. Identifiers: Orphanet 64749, MedGen C4082197, MONDO:0018995.
Inborn genetic diseases. Identifiers: MedGen C0950123, MeSH D030342.
MTMR2-related disorder. Also called: MTMR2-related condition.

Allele frequency attached by ClinVar (database versions not stated): ESP Exome Variant Server 0.00146; gnomAD 0.00161 and 0.00175; TOPMed 0.00171; gnomAD exomes 0.00012 and 0.00035; ExAC 0.00046; 1000 Genomes Project 0.00100; 1000 Genomes Project 30x 0.00125.
gnomAD v4.1: 433 of 1,612,492 alleles (0.027%); highest among the groups gnomAD compares: African/African-American, 0.52%; 4 homozygotes.

Submissions (4):

Women's Health and Genetics/Laboratory Corporation of America, LabCorp
Classification: Likely benign. Last evaluated: 2026-06-02. Review status: criteria provided, single submitter. Criteria: LabCorp Variant Classification Summary - May 2015. Collection method: clinical testing. Allele origin: germline.
Comment: Variant summary: MTMR2 c.1757G>A (p.Arg586Gln) results in a conservative amino acid change in the encoded protein sequence. Algorithms developed to predict the effect of missense changes on protein structure and function are either unavailable or do not agree on the potential impact of this missense change. The variant allele was found at a frequency of 0.00035 in 251110 control chromosomes, predominantly at a frequency of 0.0051 within the African or African-American subpopulation in the gnomAD database. The observed variant frequency within African or African-American control individuals in the gnomAD database exceeds the estimated maximal expected allele frequency for disease-causing variants in MTMR2, providing supporting evidence for a benign role. To our knowledge, no occurrence of c.1757G>A in individuals affected with MTMR2-related conditions and no experimental evidence demonstrating its impact on protein function have been reported. ClinVar contains an entry for this variant (Variation ID: 543468). Based on the evidence outlined above, the variant was classified as likely benign.

Labcorp Genetics (formerly Invitae), Labcorp
Classification: Likely benign for Charcot-Marie-Tooth disease type 4. Last evaluated: 2026-01-26. Review status: criteria provided, single submitter. Criteria: Invitae Variant Classification Sherloc (09022015). Collection method: clinical testing. Allele origin: germline.

PreventionGenetics, part of Exact Sciences
Classification: Likely benign for MTMR2-related condition. Last evaluated: 2025-05-07. Review status: criteria provided, single submitter. Criteria: ACMG Guidelines, 2015. Collection method: clinical testing. Allele origin: germline.
Comment: This variant is classified as likely benign based on ACMG/AMP sequence variant interpretation guidelines (Richards et al. 2015 PMID: 25741868, with internal and published modifications).

Ambry Genetics
Classification: Likely benign for Inborn genetic diseases. Last evaluated: 2020-03-31. Review status: criteria provided, single submitter. Criteria: Ambry Variant Classification Scheme 2023. Collection method: clinical testing. Allele origin: germline.